The following is an entry in ClinVar:

ClinVar aggregate classification (germline): Uncertain significance (1 of 4 stars; one submission).

Allele frequency attached by ClinVar (database versions not stated): TOPMed below 0.00001; gnomAD 0.00001.

Submission:

Ambry Genetics
Classification: Uncertain significance. Last evaluated: 2025-02-08. Review status: criteria provided, single submitter. Criteria: Ambry Variant Classification Scheme 2023. Collection method: clinical testing. Allele origin: germline.
Comment: The p.H427Y variant (also known as c.1279C>T), located in coding exon 9 of the RINT1 gene, results from a C to T substitution at nucleotide position 1279. The histidine at codon 427 is replaced by tyrosine, an amino acid with similar properties. This amino acid position is conserved. In addition, the in silico prediction for this alteration is inconclusive. Since supporting evidence is limited at this time, the clinical significance of this alteration remains unclear.

NM_021930.6(RINT1):c.1279C>T (p.His427Tyr)

Gene: RINT1 (RAD50 interactor 1; plus strand). Cytogenetic location: 7q22.3.
Variant type: single nucleotide variant.
Coding change: c.1279C>T on transcript NM_021930.6 (MANE Select); coding-DNA position 1279, C replaced by T.
Protein change: p.His427Tyr; replaces histidine 427 with tyrosine.
Molecular consequence: missense variant. On other transcripts: non-coding transcript variant (1).
Genome position (GRCh38, 1-based): chr7:105,550,432, C>T. VCF-style: chr7-105550432-C-T. GRCh37 (hg19) VCF-style: chr7-105190879-C-T.
Other names: c.1045C>T, p.His349Tyr (NM_001346599.2); c.256C>T, p.His86Tyr (NM_001346600.2, NM_001346603.2); c.355C>T, p.His119Tyr (NM_001346601.2); short protein forms H427Y, H349Y, H119Y, H86Y.
Identifiers: ClinVar variation 2496971 (VCV002496971.4), dbSNP rs1345799683, ClinGen allele CA368809352.